The following is an entry in ClinVar:

ClinVar aggregate classification (germline): Benign. Review status: criteria provided, multiple submitters, no conflicts (2 of 4 stars). 10 submissions from 10 submitters: Benign (7). 3 of the submissions do not count toward it. Last evaluated 2026-02-04.

Conditions:
Asphyxiating thoracic dystrophy 3. Also called: Short rib polydactyly syndrome 2B; Saldino-Noonan Syndrome; SHORT-RIB THORACIC DYSPLASIA 3 WITH OR WITHOUT POLYDACTYLY; POLYDACTYLY WITH NEONATAL CHONDRODYSTROPHY, TYPE I; SHORT-RIB THORACIC DYSPLASIA 3/6 WITH POLYDACTYLY, DIGENIC. Identifiers: Orphanet 474, Orphanet 93269, Orphanet 93270, Orphanet 93271, MedGen C0036069, MONDO:0013127, OMIM 613091.
Jeune thoracic dystrophy. Also called: Jeune syndrome; Infantile thoracic dystrophy; Thoracic pelvic phalangeal dystrophy; Jeune's syndrome; Chondroectodermal dysplasia-like syndrome; Short-rib thoracic dysplasia. Identifiers: Orphanet 474, MedGen C0265275, MONDO:0018770.

Allele frequency attached by ClinVar (database versions not stated): gnomAD exomes 0.36203 and 0.38095; ExAC 0.37644; ESP Exome Variant Server 0.38754; TOPMed 0.39714; gnomAD 0.39966 and 0.40015; 1000 Genomes Project 0.42931.
gnomAD v4.1: 601,598 of 1,571,088 alleles (38%); highest among the groups gnomAD compares: East Asian, 49%; 117,798 homozygotes.

Submissions (10):

Labcorp Genetics (formerly Invitae), Labcorp
Classification: Benign for Jeune thoracic dystrophy. Last evaluated: 2026-02-04. Review status: criteria provided, single submitter. Criteria: Invitae Variant Classification Sherloc (09022015). Collection method: clinical testing. Allele origin: germline.

Blueprint Genetics
Classification: Benign. Last evaluated: 2024-11-27. Review status: criteria provided, single submitter. Criteria: ACMG Guidelines, 2015. Collection method: clinical testing. Allele origin: germline.

Illumina Laboratory Services, Illumina
Classification: Benign for Asphyxiating thoracic dystrophy 3. Last evaluated: 2018-01-12. Review status: criteria provided, single submitter. Criteria: ICSL Variant Classification Criteria 13 December 2019. Collection method: clinical testing. Allele origin: germline.
Comment: This variant was observed in the ICSL laboratory as part of a predisposition screen in an ostensibly healthy population. It had not been previously curated by ICSL or reported in the Human Gene Mutation Database (HGMD: prior to June 1st, 2018), and was therefore a candidate for classification through an automated scoring system. Utilizing variant allele frequency, disease prevalence and penetrance estimates, and inheritance mode, an automated score was calculated to assess if this variant is too frequent to cause the disease. Based on the score and internal cut-off values, a variant classified as benign is not then subjected to further curation. The score for this variant resulted in a classification of benign for this disease.

Laboratory for Molecular Medicine, Mass General Brigham Personalized Medicine
Classification: Benign. Last evaluated: 2016-03-28. Review status: criteria provided, single submitter. Criteria: LMM Criteria. Collection method: clinical testing. Allele origin: germline.
Comment: Variant identified in a genome or exome case(s) and assessed due to predicted null impact of the variant or pathogenic assertions in the literature or databases. Disclaimer: This variant has not undergone full assessment. The following are preliminary notes: Frequency

GeneDx
Classification: Benign. Last evaluated: 2016-03-03. Review status: criteria provided, single submitter. Criteria: GeneDx Variant Classification (06012015). Collection method: clinical testing. Allele origin: germline. Affected: yes.
Comment: This variant is considered likely benign or benign based on one or more of the following criteria: it is a conservative change, it occurs at a poorly conserved position in the protein, it is predicted to be benign by multiple in silico algorithms, and/or has population frequency not consistent with disease.

Eurofins Ntd Llc (ga)
Classification: Benign. Last evaluated: 2013-08-08. Review status: criteria provided, single submitter. Criteria: EGL Classification Definitions 2015. Collection method: clinical testing. Allele origin: germline. Observed: 1 variant allele, 1 homozygote.

Breakthrough Genomics
Classification: Benign. Review status: criteria provided, single submitter. Criteria: ACMG Guidelines, 2015. Collection method: not provided. Allele origin: germline. Inheritance: Autosomal recessive inheritance. Affected: yes.

Clinical Genetics DNA and cytogenetics Diagnostics Lab, Erasmus MC, Erasmus Medical Center
Classification: Benign. Review status: no assertion criteria provided. Collection method: clinical testing. Allele origin: germline. Affected: yes. Study: VKGL Data-share Consensus. Not counted in ClinVar's aggregate classification.

Diagnostic Laboratory, Department of Genetics, University Medical Center Groningen
Classification: Benign. Review status: no assertion criteria provided. Collection method: clinical testing. Allele origin: germline. Affected: yes. Study: VKGL Data-share Consensus. Not counted in ClinVar's aggregate classification.

Joint Genome Diagnostic Labs from Nijmegen and Maastricht, Radboudumc and MUMC+
Classification: Benign. Review status: no assertion criteria provided. Collection method: clinical testing. Allele origin: germline. Affected: yes. Study: VKGL Data-share Consensus. Not counted in ClinVar's aggregate classification.

NM_001377.3(DYNC2H1):c.10043-15G>T

Gene: DYNC2H1 (dynein cytoplasmic 2 heavy chain 1; plus strand). Cytogenetic location: 11q22.3.
Variant type: single nucleotide variant.
Coding change: c.10043-15G>T on transcript NM_001377.3 (MANE Select); 15 bases into the intron before coding-DNA position 10043, G replaced by T.
Molecular consequence: intron variant.
Genome position (GRCh38, 1-based): chr11:103,253,270, G>T. VCF-style: chr11-103253270-G-T. GRCh37 (hg19) VCF-style: chr11-103123999-G-T.
Other names: c.10064-15G>T (NM_001080463.2).
Identifiers: ClinVar variation 93527 (VCV000093527.28), dbSNP rs648387, ClinGen allele CA147029.